The following is an entry in ClinVar:

ClinVar aggregate classification (germline): Uncertain significance. Review status: criteria provided, multiple submitters, no conflicts (2 of 4 stars). 2 submissions from 2 submitters: Uncertain significance (2). Last evaluated 2025-12-15.

Conditions:
Familial thoracic aortic aneurysm and aortic dissection (TAAD). Also called: Thoracic aortic aneurysms and dissections. Identifiers: Orphanet 91387, MedGen C4707243, MONDO:0019625.
Congenital contractural arachnodactyly (CCA). Also called: BEALS SYNDROME; Arthrogryposis, distal, type 9; Beals-Hecht syndrome. Identifiers: Orphanet 115, MedGen C0220668, MONDO:0007363, OMIM 121050.

Allele frequency attached by ClinVar (database versions not stated): TOPMed 0.00001.
gnomAD v4.1: 5 of 1,613,656 alleles (0.00031%); highest among the groups gnomAD compares: Non-Finnish European, 0.00042%; no homozygotes.

Submissions (2):

Labcorp Genetics (formerly Invitae), Labcorp
Classification: Uncertain significance for Congenital contractural arachnodactyly. Last evaluated: 2025-12-15. Review status: criteria provided, single submitter. Criteria: Invitae Variant Classification Sherloc (09022015). Collection method: clinical testing. Allele origin: germline.
Comment: This sequence change replaces methionine, which is neutral and non-polar, with threonine, which is neutral and polar, at codon 2799 of the FBN2 protein (p.Met2799Thr). This variant is present in population databases (no rsID available, gnomAD 0.0009%). This variant has not been reported in the literature in individuals affected with FBN2-related conditions. ClinVar contains an entry for this variant (Variation ID: 1763201). Invitae Evidence Modeling of protein sequence and biophysical properties (such as structural, functional, and spatial information, amino acid conservation, physicochemical variation, residue mobility, and thermodynamic stability) indicates that this missense variant is not expected to disrupt FBN2 protein function with a negative predictive value of 80%. In summary, the available evidence is currently insufficient to determine the role of this variant in disease. Therefore, it has been classified as a Variant of Uncertain Significance.

Ambry Genetics
Classification: Uncertain significance for Familial thoracic aortic aneurysm and aortic dissection. Last evaluated: 2021-02-10. Review status: criteria provided, single submitter. Criteria: Ambry Variant Classification Scheme 2023. Collection method: clinical testing. Allele origin: germline.
Comment: The p.M2799T variant (also known as c.8396T>C), located in coding exon 65 of the FBN2 gene, results from a T to C substitution at nucleotide position 8396. The methionine at codon 2799 is replaced by threonine, an amino acid with similar properties, and is located in the fibulin-like domain. This amino acid position is not well conserved in available vertebrate species, and threonine is the reference amino acid in other vertebrate species. In addition, this alteration is predicted to be tolerated by in silico analysis. Since supporting evidence is limited at this time, the clinical significance of this alteration remains unclear.

NM_001999.4(FBN2):c.8396T>C (p.Met2799Thr)

Gene: FBN2 (fibrillin 2; minus strand). Cytogenetic location: 5q23.3.
Variant type: single nucleotide variant.
Coding change: c.8396T>C on transcript NM_001999.4 (MANE Select); coding-DNA position 8396, T replaced by C.
Protein change: p.Met2799Thr; replaces methionine 2799 with threonine.
Molecular consequence: missense variant.
Genome position (GRCh38, 1-based): chr5:128,259,798, A>G on the plus strand (T>C on the coding strand, the complement: FBN2 is on the minus strand). VCF-style: chr5-128259798-A-G. GRCh37 (hg19) VCF-style: chr5-127595490-A-G.
Other names: short protein forms M2799T.
Identifiers: ClinVar variation 1763201 (VCV001763201.5), dbSNP rs909367300, ClinGen allele CA127002226.
Genomic context (GRCh38, chr5:128,259,798, plus strand): 5'-AGGATGTGCTCCTTAGAGCCGAGGTGGGAGAGGTTGAACTTCATGTTGACGGGGCTGTCC[A>G]TGTCGACACTCTCTAGGCTGATCTGTTCAACCTGGAGGAAGAACAGGAAATGATTTGGGA-3'
Protein context (NP_001990.2, residues 2789-2809): VEQISLESVD[Met2799Thr]DSPVNMKFNL